The following is an entry in ClinVar:

NM_014112.5(TRPS1):c.1014_1017dup (p.Gln340fs)

Gene: TRPS1 (transcriptional repressor GATA binding 1; minus strand). Cytogenetic location: 8q23.3.
Variant type: Duplication.
Coding change: c.1014_1017dup on transcript NM_014112.5 (MANE Select); coding-DNA positions 1014 to 1017, 4 bases duplicated (TTGC; older notation c.1014_1017dupTTGC).
Protein change: p.Gln340fs; shifts the reading frame from glutamine 340.
Molecular consequence: frameshift variant.
Genome position (GRCh38, 1-based): chr8:115,604,952-115,604,955, GCAA duplicated on the plus strand (TTGC on the coding strand, the reverse complement: TRPS1 is on the minus strand). VCF-style (leftmost placement, unchanged base first): chr8-115604951-G-GGCAA. GRCh37 (hg19) VCF-style: chr8-116617178-G-GGCAA.
Other names: c.987_990dup, p.Gln331fs (NM_001282902.3); c.993_996dup, p.Gln333fs (NM_001282903.3); c.975_978dup, p.Gln327fs (NM_001330599.2); c.1014_1017dupTTGC (NM_014112.4); short protein forms Q333fs, Q340fs, Q327fs, Q331fs.
Identifiers: ClinVar variation 579060 (VCV000579060.6), dbSNP rs1563638577, ClinGen allele CA891843320.

ClinVar aggregate classification (germline): Pathogenic (1 of 4 stars; one submission).

Conditions:
Trichorhinophalangeal syndrome, type III (TRPS3). Also called: SUGIO-KAJII SYNDROME. Identifiers: Orphanet 77258, MedGen C1860823, OMIM 190351, MONDO:0008597.
Trichorhinophalangeal dysplasia type I (TRPS1). Also called: TRPS I; TRICHORHINOPHALANGEAL SYNDROME, TYPE I. Identifiers: Orphanet 77258, MedGen C0432233, MONDO:0008596, OMIM 190350.

Submission:

Labcorp Genetics (formerly Invitae), Labcorp
Classification: Pathogenic for Trichorhinophalangeal syndrome, type III; Trichorhinophalangeal dysplasia type I. Last evaluated: 2018-06-23. Review status: criteria provided, single submitter. Criteria: Invitae Variant Classification Sherloc (09022015). Collection method: clinical testing. Allele origin: germline.
Comment: For these reasons, this variant has been classified as Pathogenic. Loss-of-function variants in TRPS1 are known to be pathogenic (PMID: 11112658). This variant has not been reported in the literature in individuals with TRPS1-related disease. This variant is not present in population databases (ExAC no frequency). This sequence change creates a premature translational stop signal (p.Gln340Leufs*11) in the TRPS1 gene. It is expected to result in an absent or disrupted protein product.

Literature cited by the submitters: PubMed 11112658.